The following is an entry in ClinVar:

NM_001457.4(FLNB):c.5081A>G (p.Asp1694Gly)

Gene: FLNB (filamin B; plus strand). Cytogenetic location: 3p14.3.
Variant type: single nucleotide variant.
Coding change: c.5081A>G on transcript NM_001457.4 (MANE Select); coding-DNA position 5081, A replaced by G.
Protein change: p.Asp1694Gly; replaces aspartic acid 1694 with glycine.
Molecular consequence: missense variant.
Genome position (GRCh38, 1-based): chr3:58,138,501, A>G. VCF-style: chr3-58138501-A-G. GRCh37 (hg19) VCF-style: chr3-58124228-A-G.
Other names: c.5174A>G, p.Asp1725Gly (NM_001164317.2); c.5081A>G, p.Asp1694Gly (NM_001164318.2, NM_001164319.2); short protein forms D1694G, D1725G.
Identifiers: ClinVar variation 3367129 (VCV003367129.1).

ClinVar aggregate classification (germline): Uncertain significance (1 of 4 stars; one submission).

Conditions:
Larsen syndrome (LRS). Also called: Bilateral dislocation of the knees, pes cavus, cylindrically shaped fingers and characteristic facies; Larsen syndrome (FLNB-LS). Identifiers: Orphanet 503, MedGen C0175778, MONDO:0007875, OMIM 150250. Disease mechanism: loss of function.

Submission:

Neuberg Centre For Genomic Medicine, NCGM
Classification: Uncertain significance for Larsen syndrome. Last evaluated: 2023-05-20. Review status: criteria provided, single submitter. Criteria: ACMG Guidelines, 2015. Collection method: clinical testing. Allele origin: germline. Inheritance: Autosomal dominant inheritance. Affected: yes.
Comment: The missense variant c.5081A>G (p.Asp1694Gly) in the FLNB gene has not been reported previously as a pathogenic variant nor as a benign variant, to our knowledge. This variant is absent in the gnomAD Exomes. The amino acid Aspartic Acid at position 1694 is changed to a Glycine changing protein sequence and it might alter its composition and physico-chemical properties. Computational evidence (Polyphen, SIFT and MutationTaster) predicts conflicting evidence on protein structure and function for this variant. The amino acid change p.Asp1694Gly in FLNB is predicted as conserved by GERP++ and PhyloP across 100 vertebrates. For these reasons, this variant has been classified as Uncertain Significance